The following is an entry in ClinVar:

ClinVar aggregate classification (germline): Uncertain significance (1 of 4 stars; one submission).

Allele frequency attached by ClinVar (database versions not stated): ExAC 0.00001; gnomAD exomes 0.00001.
gnomAD v4.1: 19 of 1,614,104 alleles (0.0012%); highest among the groups gnomAD compares: Non-Finnish European, 0.0016%; no homozygotes.

Submission:

Labcorp Genetics (formerly Invitae), Labcorp
Classification: Uncertain significance. Last evaluated: 2022-04-09. Review status: criteria provided, single submitter. Criteria: Invitae Variant Classification Sherloc (09022015). Collection method: clinical testing. Allele origin: germline.
Comment: This variant is present in population databases (rs770630272, gnomAD 0.0009%). This variant has not been reported in the literature in individuals affected with CDH3-related conditions. Algorithms developed to predict the effect of missense changes on protein structure and function are either unavailable or do not agree on the potential impact of this missense change (SIFT: "Not Available"; PolyPhen-2: "Possibly Damaging"; Align-GVGD: "Not Available"). In summary, the available evidence is currently insufficient to determine the role of this variant in disease. Therefore, it has been classified as a Variant of Uncertain Significance. This sequence change replaces serine, which is neutral and polar, with phenylalanine, which is neutral and non-polar, at codon 308 of the CDH3 protein (p.Ser308Phe).

NM_001793.6(CDH3):c.923C>T (p.Ser308Phe)

Gene: CDH3 (cadherin 3; plus strand). Cytogenetic location: 16q22.1.
Variant type: single nucleotide variant.
Coding change: c.923C>T on transcript NM_001793.6 (MANE Select); coding-DNA position 923, C replaced by T.
Protein change: p.Ser308Phe; replaces serine 308 with phenylalanine.
Molecular consequence: missense variant.
Genome position (GRCh38, 1-based): chr16:68,681,023, C>T. VCF-style: chr16-68681023-C-T. GRCh37 (hg19) VCF-style: chr16-68714926-C-T.
Other names: c.923C>T, p.Ser308Phe (NM_001317195.3); c.758C>T, p.Ser253Phe (NM_001317196.2); short protein forms S253F, S308F.
Identifiers: ClinVar variation 1948117 (VCV001948117.5), dbSNP rs770630272, ClinGen allele CA8129192.